The following is an entry in ClinVar:

NM_032409.3(PINK1):c.1024A>G (p.Met342Val)

Genes: PINK1 (PTEN induced kinase 1; plus strand), PINK1-AS (PINK1 antisense RNA; minus strand). Cytogenetic location: 1p36.12.
Variant type: single nucleotide variant.
Coding change: c.1024A>G on transcript NM_032409.3 (MANE Select); coding-DNA position 1024, A replaced by G.
Protein change: p.Met342Val; replaces methionine 342 with valine.
Molecular consequence: missense variant. On other transcripts: non-coding transcript variant (1).
Genome position (GRCh38, 1-based): chr1:20,645,624, A>G. VCF-style: chr1-20645624-A-G. GRCh37 (hg19) VCF-style: chr1-20972117-A-G.
Other names: short protein forms M342V.
Identifiers: ClinVar variation 1446048 (VCV001446048.8), dbSNP rs753186891, ClinGen allele CA338833546.
Genomic context (GRCh38, chr1:20,645,624, plus strand): 5'-CCCTGTACCCTGCGCCAGTACCTTTGTGTGAACACACCCAGCCCCCGCCTCGCCGCCATG[A>G]TGCTGCTGCAGCTGCTGGAAGGCGTGGACCATCTGGTTCAACAGGGCATCGCGCACAGAG-3'
Protein context (NP_115785.1, residues 332-352): NTPSPRLAAM[Met342Val]LLQLLEGVDH

ClinVar aggregate classification (germline): Uncertain significance (1 of 4 stars; one submission).

Conditions:
Autosomal recessive early-onset Parkinson disease 6 (PARK6). Also called: PINK1-Related Parkinson Disease; PARKINSON DISEASE 6, EARLY-ONSET; PINK1 Type of Young-Onset Parkinson Disease; PARKINSON DISEASE 6, MODIFIER OF. Identifiers: Orphanet 2828, MedGen C1853833, MONDO:0011613, OMIM 605909.

gnomAD v4.1: 1 of 1,614,064 alleles (0.000062%); highest among the groups gnomAD compares: Non-Finnish European, 0.000085%; no homozygotes.

Submission:

Labcorp Genetics (formerly Invitae), Labcorp
Classification: Uncertain significance for Autosomal recessive early-onset Parkinson disease 6. Last evaluated: 2020-11-02. Review status: criteria provided, single submitter. Criteria: Invitae Variant Classification Sherloc (09022015). Collection method: clinical testing. Allele origin: germline.
Comment: In summary, the available evidence is currently insufficient to determine the role of this variant in disease. Therefore, it has been classified as a Variant of Uncertain Significance. Algorithms developed to predict the effect of missense changes on protein structure and function are either unavailable or do not agree on the potential impact of this missense change (SIFT: "Tolerated"; PolyPhen-2: "Probably Damaging"; Align-GVGD: "Class C0"). This variant has been observed in individual(s) with autosomal dominant Parkinson disease (PMID: 18541801). This variant is not present in population databases (ExAC no frequency). This sequence change replaces methionine with valine at codon 342 of the PINK1 protein (p.Met342Val). The methionine residue is highly conserved and there is a small physicochemical difference between methionine and valine.

Literature cited by the submitters: PubMed 18541801.